The following is an entry in ClinVar:

ClinVar aggregate classification (germline): Uncertain significance. Review status: criteria provided, multiple submitters, no conflicts (2 of 4 stars). 2 submissions from 2 submitters: Uncertain significance (2). Last evaluated 2023-07-26.

Submissions (2):

GeneDx
Classification: Uncertain significance. Last evaluated: 2023-07-26. Review status: criteria provided, single submitter. Criteria: GeneDx Variant Classification Process June 2021. Collection method: clinical testing. Allele origin: germline. Affected: yes.
Comment: Not observed at significant frequency in large population cohorts (gnomAD); In silico analysis supports that this missense variant does not alter protein structure/function; Has not been previously published as pathogenic or benign to our knowledge

Labcorp Genetics (formerly Invitae), Labcorp
Classification: Uncertain significance. Last evaluated: 2023-01-20. Review status: criteria provided, single submitter. Criteria: Invitae Variant Classification Sherloc (09022015). Collection method: clinical testing. Allele origin: germline.
Comment: This sequence change replaces phenylalanine, which is neutral and non-polar, with tyrosine, which is neutral and polar, at codon 371 of the DEAF1 protein (p.Phe371Tyr). This variant is not present in population databases (gnomAD no frequency). In summary, the available evidence is currently insufficient to determine the role of this variant in disease. Therefore, it has been classified as a Variant of Uncertain Significance. Advanced modeling of protein sequence and biophysical properties (such as structural, functional, and spatial information, amino acid conservation, physicochemical variation, residue mobility, and thermodynamic stability) has been performed at Invitae for this missense variant, however the output from this modeling did not meet the statistical confidence thresholds required to predict the impact of this variant on DEAF1 protein function. ClinVar contains an entry for this variant (Variation ID: 1411766). This variant has not been reported in the literature in individuals affected with DEAF1-related conditions.

NM_021008.4(DEAF1):c.1112T>A (p.Phe371Tyr)

Gene: DEAF1 (DEAF1 transcription factor; minus strand). Cytogenetic location: 11p15.5.
Variant type: single nucleotide variant.
Coding change: c.1112T>A on transcript NM_021008.4 (MANE Select); coding-DNA position 1112, T replaced by A.
Protein change: p.Phe371Tyr; replaces phenylalanine 371 with tyrosine.
Molecular consequence: missense variant.
Genome position (GRCh38, 1-based): chr11:679,702, A>T on the plus strand (T>A on the coding strand, the complement: DEAF1 is on the minus strand). VCF-style: chr11-679702-A-T. GRCh37 (hg19) VCF-style: chr11-679702-A-T.
Other names: c.845T>A, p.Phe282Tyr (NM_001293634.2); c.386T>A, p.Phe129Tyr (NM_001367390.1); short protein forms F282Y, F129Y, F371Y.
Identifiers: ClinVar variation 1411766 (VCV001411766.7), dbSNP rs2133380269, ClinGen allele CA378925969.